The following is an entry in ClinVar:

ClinVar aggregate classification (germline): Uncertain significance. Review status: criteria provided, multiple submitters, no conflicts (2 of 4 stars). 2 submissions from 2 submitters: Uncertain significance (2). Last evaluated 2024-12-23.

Conditions:
Cardiovascular phenotype. Identifiers: MedGen CN230736.
Dilated cardiomyopathy 1O (CMD1O). Also called: CARDIOMYOPATHY, DILATED, WITH VENTRICULAR TACHYCARDIA. Identifiers: Orphanet 154, MedGen C1837839, MONDO:0012062, OMIM 608569.

Allele frequency attached by ClinVar (database versions not stated): gnomAD exomes below 0.00001 and 0.00001; TOPMed below 0.00001.
gnomAD v4.1: 3 of 1,611,946 alleles (0.00019%); highest among the groups gnomAD compares: African/African-American, 0.0013%; no homozygotes.

Submissions (2):

Labcorp Genetics (formerly Invitae), Labcorp
Classification: Uncertain significance for Dilated cardiomyopathy 1O. Last evaluated: 2024-12-23. Review status: criteria provided, single submitter. Criteria: Invitae Variant Classification Sherloc (09022015). Collection method: clinical testing. Allele origin: germline.
Comment: This sequence change replaces isoleucine, which is neutral and non-polar, with threonine, which is neutral and polar, at codon 419 of the ABCC9 protein (p.Ile419Thr). This variant is present in population databases (no rsID available, gnomAD 0.003%). This variant has not been reported in the literature in individuals affected with ABCC9-related conditions. ClinVar contains an entry for this variant (Variation ID: 1027015). Invitae Evidence Modeling of protein sequence and biophysical properties (such as structural, functional, and spatial information, amino acid conservation, physicochemical variation, residue mobility, and thermodynamic stability) indicates that this missense variant is expected to disrupt ABCC9 protein function with a positive predictive value of 80%. In summary, the available evidence is currently insufficient to determine the role of this variant in disease. Therefore, it has been classified as a Variant of Uncertain Significance.

Ambry Genetics
Classification: Uncertain significance for Cardiovascular phenotype. Last evaluated: 2022-02-03. Review status: criteria provided, single submitter. Criteria: Ambry Variant Classification Scheme 2023. Collection method: clinical testing. Allele origin: germline.
Comment: The p.I419T variant (also known as c.1256T>C), located in coding exon 8 of the ABCC9 gene, results from a T to C substitution at nucleotide position 1256. The isoleucine at codon 419 is replaced by threonine, an amino acid with similar properties. This amino acid position is highly conserved in available vertebrate species. In addition, this alteration is predicted to be deleterious by in silico analysis. Since supporting evidence is limited at this time, the clinical significance of this alteration remains unclear.

NM_020297.4(ABCC9):c.1256T>C (p.Ile419Thr)

Gene: ABCC9 (ATP binding cassette subfamily C member 9; minus strand). Cytogenetic location: 12p12.1.
Variant type: single nucleotide variant.
Coding change: c.1256T>C on transcript NM_020297.4 (MANE Select); coding-DNA position 1256, T replaced by C.
Protein change: p.Ile419Thr; replaces isoleucine 419 with threonine.
Molecular consequence: missense variant.
Genome position (GRCh38, 1-based): chr12:21,910,221, A>G on the plus strand (T>C on the coding strand, the complement: ABCC9 is on the minus strand). VCF-style: chr12-21910221-A-G. GRCh37 (hg19) VCF-style: chr12-22063155-A-G.
Other names: c.1256T>C, p.Ile419Thr (NM_001377273.1, NM_005691.4); c.392T>C, p.Ile131Thr (NM_001377274.1); short protein forms I131T, I419T.
Identifiers: ClinVar variation 1027015 (VCV001027015.10), dbSNP rs1186163590, ClinGen allele CA384118513.